The following is an entry in ClinVar:

NM_001393769.1(MED12L):c.4098G>C (p.Gln1366His)

Genes: MED12L (mediator complex subunit 12L; plus strand), P2RY12 (purinergic receptor P2Y12; minus strand). Cytogenetic location: 3q25.1.
Variant type: single nucleotide variant.
Coding change: c.4098G>C on transcript NM_001393769.1 (MANE Select); coding-DNA position 4098, G replaced by C.
Protein change: p.Gln1366His; replaces glutamine 1366 with histidine.
Molecular consequence: missense variant. On other transcripts: intron variant (1).
Genome position (GRCh38, 1-based): chr3:151,376,844, G>C. VCF-style: chr3-151376844-G-C. GRCh37 (hg19) VCF-style: chr3-151094632-G-C.
Other names: c.3993G>C, p.Gln1331His (NM_053002.6); c.-180+7848C>G (NM_022788.5); short protein forms Q1331H, Q1366H.
Identifiers: ClinVar variation 3346722 (VCV003346722.1).
Genomic context (GRCh38, chr3:151,376,844, plus strand): 5'-TTTCCATTTTTCCCAGAATCTTGAGCAGTGGACACTGAGGCAATCCTGGTTAGAACTCCA[G>C]CTAATGATCAAACAGTGCTTGAAGGACCCTGTGAGTTTATATTGAAAGCTTATCTCTGTA-3'
Protein context (NP_001380698.1, residues 1356-1376): WTLRQSWLEL[Gln1366His]LMIKQCLKDP

ClinVar aggregate classification (germline): Uncertain significance (0 of 4 stars; one submission).

Conditions:
MED12L-related disorder. Also called: MED12L-related condition.

Submission:

PreventionGenetics, part of Exact Sciences
Classification: Uncertain significance for MED12L-related condition. Last evaluated: 2024-04-29. Review status: no assertion criteria provided. Collection method: clinical testing. Allele origin: germline.
Comment: The MED12L c.3993G>C variant is predicted to result in the amino acid substitution p.Gln1331His. To our knowledge, this variant has not been reported in the literature or in gnomAD, indicating this variant is rare. At this time, the clinical significance of this variant is uncertain due to the absence of conclusive functional and genetic evidence.